The following is an entry in ClinVar:

ClinVar aggregate classification (germline): Uncertain significance (1 of 4 stars; one submission).

Submission:

Labcorp Genetics (formerly Invitae), Labcorp
Classification: Uncertain significance. Last evaluated: 2023-07-30. Review status: criteria provided, single submitter. Criteria: Invitae Variant Classification Sherloc (09022015). Collection method: clinical testing. Allele origin: germline.
Comment: This variant is present in population databases (rs773385438, gnomAD 0.0009%). This sequence change falls in intron 5 of the AP3D1 gene. It does not directly change the encoded amino acid sequence of the AP3D1 protein. This variant has not been reported in the literature in individuals affected with AP3D1-related conditions. In summary, the available evidence is currently insufficient to determine the role of this variant in disease. Therefore, it has been classified as a Variant of Uncertain Significance. Algorithms developed to predict the effect of sequence changes on RNA splicing suggest that this variant may create or strengthen a splice site.

NM_001261826.3(AP3D1):c.463-26_463-11del

Gene: AP3D1 (adaptor related protein complex 3 subunit delta 1; minus strand). Cytogenetic location: 19p13.3.
Variant type: Deletion.
Coding change: c.463-26_463-11del on transcript NM_001261826.3 (MANE Select); 26 bases into the intron before coding-DNA position 463 through 11 bases into the intron before coding-DNA position 463, 16 bases deleted (GCAGGCTGAAGCCCGC).
Molecular consequence: intron variant.
Genome position (GRCh38, 1-based): chr19:2,130,548-2,130,563, GCGGGCTTCAGCCTGC deleted on the plus strand (GCAGGCTGAAGCCCGC on the coding strand, the reverse complement: AP3D1 is on the minus strand); deleting any 16 consecutive bases within chr19:2,130,548-2,130,571 gives the same sequence; the c. name uses the placement nearest the transcript's 3' end. VCF-style (leftmost placement, unchanged base first): chr19-2130547-AGCGGGCTTCAGCCTGC-A. GRCh37 (hg19) VCF-style: chr19-2130546-AGCGGGCTTCAGCCTGC-A.
Other names: c.463-26_463-11del (NM_003938.8, NM_001374799.1).
Identifiers: ClinVar variation 2818790 (VCV002818790.3), dbSNP rs773385438, ClinGen allele CA9059695.